The following is an entry in ClinVar:

NM_000051.4(ATM):c.4983C>G (p.His1661Gln)

Gene: ATM (ATM serine/threonine kinase; plus strand). Cytogenetic location: 11q22.3.
Variant type: single nucleotide variant.
Coding change: c.4983C>G on transcript NM_000051.4 (MANE Select); coding-DNA position 4983, C replaced by G.
Protein change: p.His1661Gln; replaces histidine 1661 with glutamine.
Molecular consequence: missense variant.
Genome position (GRCh38, 1-based): chr11:108,297,360, C>G. VCF-style: chr11-108297360-C-G. GRCh37 (hg19) VCF-style: chr11-108168087-C-G.
Other names: c.4983C>G, p.His1661Gln (NM_001351834.2); short protein forms H1661Q.
Identifiers: ClinVar variation 2453963 (VCV002453963.2), dbSNP rs2083180642, ClinGen allele CA382538481.

ClinVar aggregate classification (germline): Uncertain significance (1 of 4 stars; one submission).

Conditions:
Hereditary cancer-predisposing syndrome. Also called: Neoplastic Syndromes, Hereditary; Hereditary neoplastic syndrome; Tumor predisposition; Hereditary Cancer Syndrome. Identifiers: Orphanet 140162, MedGen C0027672, MeSH D009386, MONDO:0015356.

gnomAD v4.1: 1 of 1,613,946 alleles (0.000062%); highest among the groups gnomAD compares: Non-Finnish European, 0.000085%; no homozygotes.

Submission:

Ambry Genetics
Classification: Uncertain significance for Hereditary cancer-predisposing syndrome. Last evaluated: 2023-01-19. Review status: criteria provided, single submitter. Criteria: Ambry Variant Classification Scheme 2023. Collection method: clinical testing. Allele origin: germline.
Comment: The p.H1661Q variant (also known as c.4983C>G), located in coding exon 32 of the ATM gene, results from a C to G substitution at nucleotide position 4983. The histidine at codon 1661 is replaced by glutamine, an amino acid with highly similar properties. This amino acid position is conserved. In addition, this alteration is predicted to be tolerated by in silico analysis. Since supporting evidence is limited at this time, the clinical significance of this alteration remains unclear.